The following is an entry in ClinVar:

NM_001375380.1(EBF3):c.1335C>T (p.Ala445=)

Gene: EBF3 (EBF transcription factor 3; minus strand). Cytogenetic location: 10q26.3.
Variant type: single nucleotide variant.
Coding change: c.1335C>T on transcript NM_001375380.1 (MANE Select); coding-DNA position 1335, C replaced by T.
Protein change: p.Ala445=; no amino-acid change (alanine 445 retained).
Molecular consequence: synonymous variant.
Genome position (GRCh38, 1-based): chr10:129,842,153, G>A on the plus strand (C>T on the coding strand, the complement: EBF3 is on the minus strand). VCF-style: chr10-129842153-G-A. GRCh37 (hg19) VCF-style: chr10-131640417-G-A.
Other names: c.1308C>T, p.Ala436= (NM_001005463.3, NM_001375390.1, NM_001375392.1); c.1335C>T, p.Ala445= (NM_001375379.1, NM_001375389.1, NM_001375391.1).
Identifiers: ClinVar variation 3053093 (VCV003053093.3), dbSNP rs575743835, ClinGen allele CA5748403.

ClinVar aggregate classification (germline): Likely benign. Review status: criteria provided, single submitter (1 of 4 stars). 2 submissions from 2 submitters: Likely benign (1). 1 of the submissions does not count toward it. Last evaluated 2023-12-21.

Conditions:
EBF3-related disorder. Identifiers: MedGen CN239924.

Allele frequency attached by ClinVar (database versions not stated): ExAC 0.00002; TOPMed 0.00002; gnomAD 0.00003; 1000 Genomes Project 30x 0.00016; 1000 Genomes Project 0.00020.
gnomAD v4.1: 98 of 1,614,240 alleles (0.0061%); highest among the groups gnomAD compares: Middle Eastern, 0.066%; no homozygotes.

Submissions (2):

Blueprint Genetics
Classification: Likely benign. Last evaluated: 2023-12-21. Review status: criteria provided, single submitter. Criteria: ACMG Guidelines, 2015. Collection method: clinical testing. Allele origin: germline.

PreventionGenetics, part of Exact Sciences
Classification: Likely benign for EBF3-related condition. Last evaluated: 2019-09-05. Review status: no assertion criteria provided. Collection method: clinical testing. Allele origin: germline. Not counted in ClinVar's aggregate classification.
Comment: This variant is classified as likely benign based on ACMG/AMP sequence variant interpretation guidelines (Richards et al. 2015 PMID: 25741868, with internal and published modifications).